The following is an entry in ClinVar:

ClinVar aggregate classification (germline): Uncertain significance. Review status: criteria provided, multiple submitters, no conflicts (2 of 4 stars). 2 submissions from 2 submitters: Uncertain significance (2). Last evaluated 2025-12-04.

Allele frequency attached by ClinVar (database versions not stated): 1000 Genomes Project 0.00020; TOPMed 0.00022; ESP Exome Variant Server 0.00024; ExAC 0.00027; 1000 Genomes Project 30x 0.00031.
gnomAD v4.1: 484 of 1,613,650 alleles (0.03%); highest among the groups gnomAD compares: Admixed American, 0.063%; no homozygotes.

Submissions (2):

Labcorp Genetics (formerly Invitae), Labcorp
Classification: Uncertain significance. Last evaluated: 2025-12-04. Review status: criteria provided, single submitter. Criteria: Invitae Variant Classification Sherloc (09022015). Collection method: clinical testing. Allele origin: germline.
Comment: This sequence change replaces valine, which is neutral and non-polar, with methionine, which is neutral and non-polar, at codon 650 of the FUK protein (p.Val650Met). This variant is present in population databases (rs200813651, gnomAD 0.07%), and has an allele count higher than expected for a pathogenic variant. This variant has not been reported in the literature in individuals affected with FUK-related conditions. ClinVar contains an entry for this variant (Variation ID: 2068258). An algorithm developed to predict the effect of missense changes on protein structure and function (PolyPhen-2) suggests that this variant is likely to be disruptive. In summary, the available evidence is currently insufficient to determine the role of this variant in disease. Therefore, it has been classified as a Variant of Uncertain Significance.

Ambry Genetics
Classification: Uncertain significance. Last evaluated: 2024-05-26. Review status: criteria provided, single submitter. Criteria: Ambry Variant Classification Scheme 2023. Collection method: clinical testing. Allele origin: germline.

NM_145059.3(FCSK):c.1948G>A (p.Val650Met)

Gene: FCSK (fucose kinase; plus strand). Cytogenetic location: 16q22.1.
Variant type: single nucleotide variant.
Coding change: c.1948G>A on transcript NM_145059.3 (MANE Select); coding-DNA position 1948, G replaced by A.
Protein change: p.Val650Met; replaces valine 650 with methionine.
Molecular consequence: missense variant.
Genome position (GRCh38, 1-based): chr16:70,474,299, G>A. VCF-style: chr16-70474299-G-A. GRCh37 (hg19) VCF-style: chr16-70508202-G-A.
Other names: c.1948G>A (NM_145059.2); short protein forms V650M.
Identifiers: ClinVar variation 2068258 (VCV002068258.6), dbSNP rs200813651, ClinGen allele CA8143452.
Genomic context (GRCh38, chr16:70,474,299, plus strand): 5'-GCCAACCCTGAGTGGATGCGGCCCTTCTCATACCTGGAGTGTGGAGACCTGGCAGCGGGC[G>A]TGGAGGCGCTTGCCCAGGAGAGGGACAAGTGGCTAAGCAGGTGTGTACTAATGGAGGTCA-3'
Protein context (NP_659496.2, residues 640-660): YLECGDLAAG[Val650Met]EALAQERDKW